The following is an entry in ClinVar:

NM_005276.4(GPD1):c.823del (p.Glu275fs)

Gene: GPD1 (glycerol-3-phosphate dehydrogenase 1; plus strand). Cytogenetic location: 12q13.12.
Variant type: Deletion.
Coding change: c.823del on transcript NM_005276.4 (MANE Select); coding-DNA position 823, one base deleted (G; older notation c.823delG).
Protein change: p.Glu275fs; shifts the reading frame from glutamic acid 275.
Molecular consequence: frameshift variant.
Genome position (GRCh38, 1-based): chr12:50,107,777, G deleted. VCF-style (leftmost placement, unchanged base first): chr12-50107776-TG-T. GRCh37 (hg19) VCF-style: chr12-50501559-TG-T.
Other names: c.754del, p.Glu252fs (NM_001257199.2); short protein forms E252fs, E275fs.
Identifiers: ClinVar variation 4857182 (VCV004857182.1).

ClinVar aggregate classification (germline): Likely pathogenic (0 of 4 stars; one submission).

Conditions:
Familial hypercholesterolemia. Also called: Familial hypercholesterolemias; Familial hypercholesterolaemia. Identifiers: MedGen C0020445, MONDO:0005439.

Submission:

Research Laboratories, P. D. Hinduja Hospital & MRC
Classification: Likely pathogenic for Familial hypercholesterolemia. Last evaluated: 2026-06-08. Review status: no assertion criteria provided. Collection method: research. Allele origin: germline. Affected: yes. Observed: 1 variant allele, 1 heterozygote.
Comment: This variant was identified as part of the ICMR-funded project (Ref No. 2020-3881). A frameshift deletion in GPD1 (NM_005276.4), c.823del, predicted to cause a frameshift beginning at codon 275 and resulting in a premature termination codon downstream To our knowledge, functional studies specific to this variant have not been reported. This variant has not been described in individuals with Familial Hypercholesterolemia (FH) in the literature; however, the GPD1 gene is associated with lipid metabolism according to the LIPID MAPS Proteome Database (LMPD). Computational predictions using MutationTaster and PolyPhen-2 suggest that this variant is likely deleterious and possibly damaging to protein function (GRCh38).